The following is an entry in ClinVar:

ClinVar aggregate classification (germline): Uncertain significance (1 of 4 stars; one submission).

gnomAD v4.1: 3 of 1,613,490 alleles (0.00019%); highest among the groups gnomAD compares: African/African-American, 0.0027%; no homozygotes.

Submission:

GeneDx
Classification: Uncertain significance. Last evaluated: 2026-05-04. Review status: criteria provided, single submitter. Criteria: GeneDx Variant Classification Process June 2021. Collection method: clinical testing. Allele origin: germline.
Comment: Not observed at significant frequency in large population cohorts (gnomAD); In silico analysis suggests that this missense variant does not alter protein structure/function; Has not been previously published as pathogenic or benign to our knowledge

NM_014633.5(CTR9):c.2935C>T (p.Pro979Ser)

Gene: CTR9 (CTR9 component of Paf1/RNA polymerase II complex; plus strand). Cytogenetic location: 11p15.4.
Variant type: single nucleotide variant.
Coding change: c.2935C>T on transcript NM_014633.5 (MANE Select); coding-DNA position 2935, C replaced by T.
Protein change: p.Pro979Ser; replaces proline 979 with serine.
Molecular consequence: missense variant.
Genome position (GRCh38, 1-based): chr11:10,775,256, C>T. VCF-style: chr11-10775256-C-T. GRCh37 (hg19) VCF-style: chr11-10796803-C-T.
Other names: c.2863C>T, p.Pro955Ser (NM_001346279.2); short protein forms P955S, P979S.
Identifiers: ClinVar variation 4527641 (VCV004527641.2).